The following is an entry in ClinVar:

ClinVar aggregate classification (germline): Uncertain significance (1 of 4 stars; one submission).

Submission:

Labcorp Genetics (formerly Invitae), Labcorp
Classification: Uncertain significance. Last evaluated: 2024-08-13. Review status: criteria provided, single submitter. Criteria: Invitae Variant Classification Sherloc (09022015). Collection method: clinical testing. Allele origin: germline.
Comment: This sequence change replaces aspartic acid, which is acidic and polar, with asparagine, which is neutral and polar, at codon 316 of the TAF1 protein (p.Asp316Asn). This variant is present in population databases (no rsID available, gnomAD 0.004%), including at least one homozygous and/or hemizygous individual. This variant has not been reported in the literature in individuals affected with TAF1-related conditions. An algorithm developed to predict the effect of missense changes on protein structure and function (PolyPhen-2) suggests that this variant is likely to be tolerated. In summary, the available evidence is currently insufficient to determine the role of this variant in disease. Therefore, it has been classified as a Variant of Uncertain Significance.

NM_004606.5(TAF1):c.886G>A (p.Asp296Asn)

Gene: TAF1 (TATA-box binding protein associated factor 1; plus strand). Cytogenetic location: Xq13.1.
Variant type: single nucleotide variant.
Coding change: c.886G>A on transcript NM_004606.5 (MANE Select); coding-DNA position 886, G replaced by A.
Protein change: p.Asp296Asn; replaces aspartic acid 296 with asparagine.
Molecular consequence: missense variant. On other transcripts: non-coding transcript variant (9).
Genome position (GRCh38, 1-based): chrX:71,377,774, G>A. VCF-style: chrX-71377774-G-A. GRCh37 (hg19) VCF-style: chrX-70597624-G-A.
Other names: c.886G>A, p.Asp296Asn (NM_001286074.2); c.823G>A, p.Asp275Asn (NM_138923.4); short protein forms D275N, D296N.
Identifiers: ClinVar variation 2843154 (VCV002843154.3), dbSNP rs1194327405, ClinGen allele CA413507899.